The following is an entry in ClinVar:

NM_005996.4(TBX3):c.964G>A (p.Glu322Lys)

Gene: TBX3 (T-box transcription factor 3; minus strand). Cytogenetic location: 12q24.21.
Variant type: single nucleotide variant.
Coding change: c.964G>A on transcript NM_005996.4 (MANE Select); coding-DNA position 964, G replaced by A.
Protein change: p.Glu322Lys; replaces glutamic acid 322 with lysine.
Molecular consequence: missense variant.
Genome position (GRCh38, 1-based): chr12:114,676,388, C>T on the plus strand (G>A on the coding strand, the complement: TBX3 is on the minus strand). VCF-style: chr12-114676388-C-T. GRCh37 (hg19) VCF-style: chr12-115114193-C-T.
Other names: c.1024G>A, p.Glu342Lys (NM_016569.4); short protein forms E322K, E342K.
Identifiers: ClinVar variation 4978836 (VCV004978836.1).

ClinVar aggregate classification (germline): Uncertain significance (1 of 4 stars; one submission).

Conditions:
TBX3-related disorder. Also called: TBX3-related condition.

Submission:

PreventionGenetics, part of Exact Sciences
Classification: Uncertain significance for TBX3-related condition. Last evaluated: 2026-08-04. Review status: criteria provided, single submitter. Criteria: ACMG Guidelines, 2015. Collection method: clinical testing. Allele origin: germline.
Comment: The TBX3 c.1024G>A variant is predicted to result in the amino acid substitution p.Glu342Lys. To our knowledge, this variant has not been reported in the literature or in a large population database (gnomAD), indicating this variant is rare. At this time, the clinical significance of this variant is uncertain due to the absence of conclusive functional and genetic evidence.